The following is an entry in ClinVar:

ClinVar aggregate classification (germline): Likely pathogenic (1 of 4 stars; one submission).

Conditions:
Primary ciliary dyskinesia. Also called: Ciliary dyskinesia. Identifiers: Orphanet 244, MedGen C0008780, MONDO:0016575, HP:0012265.

Submission:

Natera, Inc.
Classification: Likely pathogenic for Primary ciliary dyskinesia. Last evaluated: 2024-08-14. Review status: criteria provided, single submitter. Criteria: Natera Variant Classification Schema (03/2026). Collection method: clinical testing. Allele origin: germline.
Comment: The c.12382del variant in DNAH5 is a frameshift variant predicted to shift the reading frame beginning at codon 4128 and leads to a stop codon 3 codons downstream. This variant is expected to result in nonsense mediated decay, truncation, or a dysfunctional protein product. This variant is rare in the general population with a frequency below the threshold expected for the associated phenotype(s). Given the available evidence, this variant is classified as Likely Pathogenic.

NM_001369.3(DNAH5):c.12382del (p.Leu4128fs)

Gene: DNAH5 (dynein axonemal heavy chain 5; minus strand). Cytogenetic location: 5p15.2.
Variant type: Deletion.
Coding change: c.12382del on transcript NM_001369.3 (MANE Select); coding-DNA position 12382, one base deleted (C; older notation c.12382delC).
Protein change: p.Leu4128fs; shifts the reading frame from leucine 4128.
Molecular consequence: frameshift variant.
Genome position (GRCh38, 1-based): chr5:13,718,999, G deleted on the plus strand (C on the coding strand, the reverse complement: DNAH5 is on the minus strand); the first of 2 consecutive G bases (chr5:13,718,999-13,719,000); deleting either gives the same sequence. VCF-style (leftmost placement, unchanged base first): chr5-13718998-AG-A. GRCh37 (hg19) VCF-style: chr5-13719107-AG-A.
Other names: short protein forms L4128fs.
Identifiers: ClinVar variation 4814856 (VCV004814856.1).